The following is an entry in ClinVar:

NM_000094.4(COL7A1):c.5087G>A (p.Arg1696His)

Gene: COL7A1 (collagen type VII alpha 1 chain; minus strand). Cytogenetic location: 3p21.31.
Variant type: single nucleotide variant.
Coding change: c.5087G>A on transcript NM_000094.4 (MANE Select); coding-DNA position 5087, G replaced by A.
Protein change: p.Arg1696His; replaces arginine 1696 with histidine.
Molecular consequence: missense variant.
Genome position (GRCh38, 1-based): chr3:48,580,310, C>T on the plus strand (G>A on the coding strand, the complement: COL7A1 is on the minus strand). VCF-style: chr3-48580310-C-T. GRCh37 (hg19) VCF-style: chr3-48617743-C-T.
Other names: short protein forms R1696H.
Identifiers: ClinVar variation 899654 (VCV000899654.5), dbSNP rs749128852, ClinGen allele CA2379683.

ClinVar aggregate classification (germline): Uncertain significance. Review status: criteria provided, multiple submitters, no conflicts (2 of 4 stars). 2 submissions from 2 submitters: Uncertain significance (2). Last evaluated 2021-12-24.

Conditions:
Epidermolysis bullosa dystrophica. Also called: Dystrophic epidermolysis bullosa, Hallopeau-Siemens type (formerly); Dystrophic epidermolysis bullosa. Identifiers: Orphanet 303, MedGen C0079294, MONDO:0006543.

Allele frequency attached by ClinVar (database versions not stated): gnomAD exomes 0.00001 and 0.00002; TOPMed 0.00001; ExAC 0.00004.
gnomAD v4.1: 22 of 1,610,366 alleles (0.0014%); highest among the groups gnomAD compares: Admixed American, 0.0067%; no homozygotes.

Submissions (2):

Labcorp Genetics (formerly Invitae), Labcorp
Classification: Uncertain significance. Last evaluated: 2021-12-24. Review status: criteria provided, single submitter. Criteria: Invitae Variant Classification Sherloc (09022015). Collection method: clinical testing. Allele origin: germline.
Comment: This sequence change replaces arginine, which is basic and polar, with histidine, which is basic and polar, at codon 1696 of the COL7A1 protein (p.Arg1696His). This variant is present in population databases (rs749128852, gnomAD 0.009%). This variant has not been reported in the literature in individuals affected with COL7A1-related conditions. ClinVar contains an entry for this variant (Variation ID: 899654). Advanced modeling of protein sequence and biophysical properties (such as structural, functional, and spatial information, amino acid conservation, physicochemical variation, residue mobility, and thermodynamic stability) performed at Invitae indicates that this missense variant is expected to disrupt COL7A1 protein function. In summary, the available evidence is currently insufficient to determine the role of this variant in disease. Therefore, it has been classified as a Variant of Uncertain Significance.

Illumina Laboratory Services, Illumina
Classification: Uncertain significance for Dystrophic epidermolysis bullosa. Last evaluated: 2017-04-27. Review status: criteria provided, single submitter. Criteria: ICSL Variant Classification Criteria 13 December 2019. Collection method: clinical testing. Allele origin: germline.